The following is an entry in ClinVar:

NM_001130698.2(TRPC3):c.2392A>G (p.Asn798Asp)

Gene: TRPC3 (transient receptor potential cation channel subfamily C member 3; minus strand). Cytogenetic location: 4q27.
Variant type: single nucleotide variant.
Coding change: c.2392A>G on transcript NM_001130698.2 (MANE Select); coding-DNA position 2392, A replaced by G.
Protein change: p.Asn798Asp; replaces asparagine 798 with aspartic acid.
Molecular consequence: missense variant.
Genome position (GRCh38, 1-based): chr4:121,902,923, T>C on the plus strand (A>G on the coding strand, the complement: TRPC3 is on the minus strand). VCF-style: chr4-121902923-T-C. GRCh37 (hg19) VCF-style: chr4-122824078-T-C.
Other names: c.2392A>G, p.Asn798Asp (NM_001366479.2); c.2173A>G, p.Asn725Asp (NM_003305.2); short protein forms N725D, N798D.
Identifiers: ClinVar variation 3617063 (VCV003617063.2).

ClinVar aggregate classification (germline): Uncertain significance (1 of 4 stars; one submission).

gnomAD v4.1: 6 of 1,613,444 alleles (0.00037%); highest among the groups gnomAD compares: Non-Finnish European, 0.00051%; no homozygotes.

Submission:

Labcorp Genetics (formerly Invitae), Labcorp
Classification: Uncertain significance. Last evaluated: 2024-05-01. Review status: criteria provided, single submitter. Criteria: Invitae Variant Classification Sherloc (09022015). Collection method: clinical testing. Allele origin: germline.
Comment: This sequence change replaces asparagine, which is neutral and polar, with aspartic acid, which is acidic and polar, at codon 798 of the TRPC3 protein (p.Asn798Asp). This variant is present in population databases (rs200645413, gnomAD 0.002%). This variant has not been reported in the literature in individuals affected with TRPC3-related conditions. Advanced modeling of protein sequence and biophysical properties (such as structural, functional, and spatial information, amino acid conservation, physicochemical variation, residue mobility, and thermodynamic stability) performed at Invitae indicates that this missense variant is not expected to disrupt TRPC3 protein function with a negative predictive value of 80%. In summary, the available evidence is currently insufficient to determine the role of this variant in disease. Therefore, it has been classified as a Variant of Uncertain Significance.